The following is an entry in ClinVar:

NM_000157.4(GBA1):c.1417G>T (p.Val473Leu)

Genes: GBA1 (glucosylceramidase beta 1; minus strand), LOC106627981 (GBA recombination region; plus strand). Cytogenetic location: 1q22.
Variant type: single nucleotide variant.
Coding change: c.1417G>T on transcript NM_000157.4 (MANE Select); coding-DNA position 1417, G replaced by T.
Protein change: p.Val473Leu; replaces valine 473 with leucine.
Molecular consequence: missense variant.
Genome position (GRCh38, 1-based): chr1:155,235,283, C>A on the plus strand (G>T on the coding strand, the complement: GBA1 is on the minus strand). VCF-style: chr1-155235283-C-A. GRCh37 (hg19) VCF-style: chr1-155205074-C-A.
Other names: c.1417G>T, p.Val473Leu (NM_001005741.3, NM_001005742.3); c.1156G>T, p.Val386Leu (NM_001171811.2); c.1270G>T, p.Val424Leu (NM_001171812.2); short protein forms V386L, V424L, V473L.
Identifiers: ClinVar variation 2578583 (VCV002578583.25), dbSNP rs1671676296, ClinGen allele CA342711802.

ClinVar aggregate classification (germline): Uncertain significance (1 of 4 stars; one submission).

Allele frequency attached by ClinVar (database versions not stated): TOPMed below 0.00001.

Submission:

CeGaT Center for Human Genetics Tuebingen
Classification: Uncertain significance. Last evaluated: 2023-08-01. Review status: criteria provided, single submitter. Criteria: CeGaT Center For Human Genetics Tuebingen Variant Classification Criteria Version 2. Collection method: clinical testing. Allele origin: germline. Affected: yes. Observed: 1 variant allele.
Comment: GBA1: PM2